The following is an entry in ClinVar:

NM_020937.4(FANCM):c.5713A>T (p.Thr1905Ser)

Gene: FANCM (FA complementation group M; plus strand). Cytogenetic location: 14q21.2.
Variant type: single nucleotide variant.
Coding change: c.5713A>T on transcript NM_020937.4 (MANE Select); coding-DNA position 5713, A replaced by T.
Protein change: p.Thr1905Ser; replaces threonine 1905 with serine.
Molecular consequence: missense variant.
Genome position (GRCh38, 1-based): chr14:45,196,544, A>T. VCF-style: chr14-45196544-A-T. GRCh37 (hg19) VCF-style: chr14-45665747-A-T.
Other names: c.5635A>T, p.Thr1879Ser (NM_001308133.2); short protein forms T1879S, T1905S.
Identifiers: ClinVar variation 4022589 (VCV004022589.1).

ClinVar aggregate classification (germline): Uncertain significance (1 of 4 stars; one submission).

Conditions:
Inborn genetic diseases. Identifiers: MedGen C0950123, MeSH D030342.

Submission:

Ambry Genetics
Classification: Uncertain significance for Inborn genetic diseases. Last evaluated: 2025-03-18. Review status: criteria provided, single submitter. Criteria: Ambry Variant Classification Scheme 2023. Collection method: clinical testing. Allele origin: germline.
Comment: The p.T1905S variant (also known as c.5713A>T), located in coding exon 21 of the FANCM gene, results from an A to T substitution at nucleotide position 5713. The threonine at codon 1905 is replaced by serine, an amino acid with similar properties. This amino acid position is conserved. In addition, this alteration is predicted to be tolerated by in silico analysis. Based on the available evidence, the clinical significance of this variant remains unclear.